The following is an entry in ClinVar:

ClinVar aggregate classification (germline): Likely pathogenic (1 of 4 stars; one submission).

Conditions:
Familial long QT syndrome (RWS). Also called: Romano-Ward syndrome; VENTRICULAR FIBRILLATION WITH PROLONGED QT INTERVAL; Congenital long QT syndrome. Identifiers: Orphanet 768, MedGen C1141890, MONDO:0019171.

Submission:

Laboratory for Molecular Medicine, Mass General Brigham Personalized Medicine
Classification: Likely pathogenic for Familial long QT syndrome. Last evaluated: 2015-12-15. Review status: criteria provided, single submitter. Criteria: ACMG Guidelines, 2015. Collection method: clinical testing. Allele origin: germline. Inheritance: Autosomal dominant inheritance.
Comment: The p.Asp896fs variant in KCNH2 has not been previously reported in individuals with long QT syndrome or in large population studies, though the ability of these studies to accurately detect indels may be limited. This variant is predicted to cause a frameshift, which alters the protein’s amino acid sequence beginning at position 896 and leads to a premature termination codon 77 amino acids downstream. This alteration is then predicted to lead to a truncated or absent protein. Heterozygous loss of function of the KCNH2 gene is associated with long QT syndrome. In summary, although additional studies are required to fully establish its clinical significance, the p.Asp896fs variant is likely pathogenic for long QT syndrome in an autosomal dominant manner based on its predicted impact to the protein.

NM_000238.4(KCNH2):c.2687_2690del (p.Asp896fs)

Gene: KCNH2 (potassium voltage-gated channel subfamily H member 2; minus strand). Cytogenetic location: 7q36.1.
Variant type: Deletion.
Coding change: c.2687_2690del on transcript NM_000238.4 (MANE Select); coding-DNA positions 2687 to 2690, 4 bases deleted (ACAA; older notation c.2687_2690delACAA).
Protein change: p.Asp896fs; shifts the reading frame from aspartic acid 896.
Molecular consequence: frameshift variant. On other transcripts: non-coding transcript variant (2).
Genome position (GRCh38, 1-based): chr7:150,948,446-150,948,449, TTGT deleted on the plus strand (ACAA on the coding strand, the reverse complement: KCNH2 is on the minus strand). VCF-style (leftmost placement, unchanged base first): chr7-150948445-CTTGT-C. GRCh37 (hg19) VCF-style: chr7-150645533-CTTGT-C.
Other names: c.2399_2402del, p.Asp800fs (NM_001406753.1); c.1667_1670del, p.Asp556fs (NM_172057.3); short protein forms D556fs, D800fs, D896fs.
Identifiers: ClinVar variation 3076018 (VCV003076018.1), dbSNP rs1584846827, ClinGen allele CA578701834.